The following is an entry in ClinVar:

ClinVar aggregate classification (germline): Uncertain significance. Review status: criteria provided, multiple submitters, no conflicts (2 of 4 stars). 2 submissions from 2 submitters: Uncertain significance (2). Last evaluated 2025-01-23.

Conditions:
2-aminoadipic 2-oxoadipic aciduria (AAKAD). Also called: Aminoadipic aciduria; ALPHA-AMINOADIPIC AND ALPHA-KETOADIPIC ACIDURIA. Identifiers: Orphanet 79154, MedGen C1859817, MONDO:0008774, OMIM 204750.
Inborn genetic diseases. Identifiers: MedGen C0950123, MeSH D030342.

gnomAD v4.1: 25 of 1,613,944 alleles (0.0015%); highest among the groups gnomAD compares: East Asian, 0.0022%; no homozygotes.

Submissions (2):

Labcorp Genetics (formerly Invitae), Labcorp
Classification: Uncertain significance for 2-aminoadipic 2-oxoadipic aciduria. Last evaluated: 2025-01-23. Review status: criteria provided, single submitter. Criteria: Invitae Variant Classification Sherloc (09022015). Collection method: clinical testing. Allele origin: germline.
Comment: This sequence change replaces arginine, which is basic and polar, with histidine, which is basic and polar, at codon 888 of the DHTKD1 protein (p.Arg888His). This variant is not present in population databases (gnomAD no frequency). This variant has not been reported in the literature in individuals affected with DHTKD1-related conditions. ClinVar contains an entry for this variant (Variation ID: 1491800). Invitae Evidence Modeling of protein sequence and biophysical properties (such as structural, functional, and spatial information, amino acid conservation, physicochemical variation, residue mobility, and thermodynamic stability) indicates that this missense variant is not expected to disrupt DHTKD1 protein function with a negative predictive value of 80%. In summary, the available evidence is currently insufficient to determine the role of this variant in disease. Therefore, it has been classified as a Variant of Uncertain Significance.

Ambry Genetics
Classification: Uncertain significance for Inborn genetic diseases. Last evaluated: 2025-01-15. Review status: criteria provided, single submitter. Criteria: Ambry Variant Classification Scheme 2023. Collection method: clinical testing. Allele origin: germline.

NM_018706.7(DHTKD1):c.2663G>A (p.Arg888His)

Gene: DHTKD1 (dehydrogenase E1 and transketolase domain containing 1; plus strand). Cytogenetic location: 10p14.
Variant type: single nucleotide variant.
Coding change: c.2663G>A on transcript NM_018706.7 (MANE Select); coding-DNA position 2663, G replaced by A.
Protein change: p.Arg888His; replaces arginine 888 with histidine.
Molecular consequence: missense variant.
Genome position (GRCh38, 1-based): chr10:12,120,791, G>A. VCF-style: chr10-12120791-G-A. GRCh37 (hg19) VCF-style: chr10-12162790-G-A.
Other names: c.2663G>A (NM_018706.5); short protein forms R888H.
Identifiers: ClinVar variation 1491800 (VCV001491800.7), dbSNP rs757827550, ClinGen allele CA376017704.